The following is an entry in ClinVar:

ClinVar aggregate classification (germline): Likely benign (0 of 4 stars; one submission).

Conditions:
PCDHA9-related disorder. Also called: PCDHA9-related condition.

Allele frequency attached by ClinVar (database versions not stated): 1000 Genomes Project 30x 0.62976; gnomAD 0.65011; gnomAD exomes 0.62043.
gnomAD v4.1: 994,890 of 1,596,700 alleles (62%); highest among the groups gnomAD compares: African/African-American, 72%; 342,727 homozygotes.

Submission:

PreventionGenetics, part of Exact Sciences
Classification: Likely benign for PCDHA9-related condition. Last evaluated: 2020-09-24. Review status: no assertion criteria provided. Collection method: clinical testing. Allele origin: germline.
Comment: This variant is classified as likely benign based on ACMG/AMP sequence variant interpretation guidelines (Richards et al. 2015 PMID: 25741868, with internal and published modifications).

NM_031857.2(PCDHA9):c.2291A>C (p.Lys764Thr)

Genes: PCDHA1 (protocadherin alpha 1; plus strand), PCDHA2 (protocadherin alpha 2; plus strand), PCDHA3 (protocadherin alpha 3; plus strand), PCDHA4 (protocadherin alpha 4; plus strand), PCDHA5 (protocadherin alpha 5; plus strand) and 5 more. Cytogenetic location: 5q31.3.
Variant type: single nucleotide variant.
Coding change: c.2291A>C on transcript NM_031857.2 (MANE Select); coding-DNA position 2291, A replaced by C.
Protein change: p.Lys764Thr; replaces lysine 764 with threonine.
Molecular consequence: missense variant. On other transcripts: intron variant (10).
Genome position (GRCh38, 1-based): chr5:140,850,786, A>C. VCF-style: chr5-140850786-A-C. GRCh37 (hg19) VCF-style: chr5-140230371-A-C.
Other names: c.2291A>C, p.Lys764Thr (NM_014005.5); c.2394+62102A>C (NM_018900.4); c.1602+62894A>C (NM_031411.3); c.2388+53434A>C (NM_018905.3); c.2394+47195A>C (NM_018906.3); c.2385+41214A>C (NM_018907.4); c.2352+26659A>C (NM_018908.3); c.2394+20301A>C (NM_018909.4); and 3 more; short protein forms K764T.
Identifiers: ClinVar variation 3060948 (VCV003060948.2), dbSNP rs369639, ClinGen allele CA3450767.